The following is an entry in ClinVar:

NM_003839.4(TNFRSF11A):c.310G>A (p.Gly104Ser)

Gene: TNFRSF11A (TNF receptor superfamily member 11a; plus strand). Cytogenetic location: 18q21.33.
Variant type: single nucleotide variant.
Coding change: c.310G>A on transcript NM_003839.4 (MANE Select); coding-DNA position 310, G replaced by A.
Protein change: p.Gly104Ser; replaces glycine 104 with serine.
Molecular consequence: missense variant.
Genome position (GRCh38, 1-based): chr18:62,354,417, G>A. VCF-style: chr18-62354417-G-A. GRCh37 (hg19) VCF-style: chr18-60021650-G-A.
Other names: c.310G>A, p.Gly104Ser (NM_001270949.2, NM_001270950.2, NM_001270951.2 and 1 more transcripts); short protein forms G104S.
Identifiers: ClinVar variation 2116512 (VCV002116512.4), dbSNP rs2511558353, ClinGen allele CA402612126.

ClinVar aggregate classification (germline): Uncertain significance (1 of 4 stars; one submission).

Allele frequency attached by ClinVar (database versions not stated): gnomAD exomes below 0.00001.
gnomAD v4.1: 1 of 1,591,068 alleles (0.000063%); highest among the groups gnomAD compares: Non-Finnish European, 0.000085%; no homozygotes.

Submission:

Labcorp Genetics (formerly Invitae), Labcorp
Classification: Uncertain significance. Last evaluated: 2022-03-24. Review status: criteria provided, single submitter. Criteria: Invitae Variant Classification Sherloc (09022015). Collection method: clinical testing. Allele origin: germline.
Comment: In summary, the available evidence is currently insufficient to determine the role of this variant in disease. Therefore, it has been classified as a Variant of Uncertain Significance. Algorithms developed to predict the effect of missense changes on protein structure and function are either unavailable or do not agree on the potential impact of this missense change (SIFT: "Tolerated"; PolyPhen-2: "Probably Damaging"; Align-GVGD: "Class C0"). This variant has not been reported in the literature in individuals affected with TNFRSF11A-related conditions. This variant is not present in population databases (gnomAD no frequency). This sequence change replaces glycine, which is neutral and non-polar, with serine, which is neutral and polar, at codon 104 of the TNFRSF11A protein (p.Gly104Ser).